The following is an entry in ClinVar:

NM_020884.7(MYH7B):c.3182A>G (p.Lys1061Arg)

Gene: MYH7B (myosin heavy chain 7B; plus strand). Cytogenetic location: 20q11.22.
Variant type: single nucleotide variant.
Coding change: c.3182A>G on transcript NM_020884.7 (MANE Select); coding-DNA position 3182, A replaced by G.
Protein change: p.Lys1061Arg; replaces lysine 1061 with arginine.
Molecular consequence: missense variant.
Genome position (GRCh38, 1-based): chr20:34,996,674, A>G. VCF-style: chr20-34996674-A-G. GRCh37 (hg19) VCF-style: chr20-33584477-A-G.
Other names: short protein forms K1061R.
Identifiers: ClinVar variation 4704673 (VCV004704673.1).

ClinVar aggregate classification (germline): Uncertain significance (1 of 4 stars; one submission).

gnomAD v4.1: 1 of 1,613,626 alleles (0.000062%); no homozygotes.

Submission:

Labcorp Genetics (formerly Invitae), Labcorp
Classification: Uncertain significance. Last evaluated: 2025-04-05. Review status: criteria provided, single submitter. Criteria: Invitae Variant Classification Sherloc (09022015). Collection method: clinical testing. Allele origin: germline.
Comment: This sequence change replaces lysine, which is basic and polar, with arginine, which is basic and polar, at codon 1103 of the MYH7B protein (p.Lys1103Arg). This variant is not present in population databases (gnomAD no frequency). This variant has not been reported in the literature in individuals affected with MYH7B-related conditions. Invitae Evidence Modeling of protein sequence and biophysical properties (such as structural, functional, and spatial information, amino acid conservation, physicochemical variation, residue mobility, and thermodynamic stability) indicates that this missense variant is not expected to disrupt MYH7B protein function with a negative predictive value of 80%. In summary, the available evidence is currently insufficient to determine the role of this variant in disease. Therefore, it has been classified as a Variant of Uncertain Significance.